The following is an entry in ClinVar:

NM_001394372.1(BICRA):c.3300C>A (p.Tyr1100Ter)

Gene: BICRA (BRD4 interacting chromatin remodeling complex associated protein; plus strand). Cytogenetic location: 19q13.33.
Variant type: single nucleotide variant.
Coding change: c.3300C>A on transcript NM_001394372.1 (MANE Select); coding-DNA position 3300, C replaced by A.
Protein change: p.Tyr1100Ter; replaces tyrosine 1100 with a stop codon.
Molecular consequence: nonsense.
Genome position (GRCh38, 1-based): chr19:47,698,685, C>A. VCF-style: chr19-47698685-C-A. GRCh37 (hg19) VCF-style: chr19-48201942-C-A.
Other names: c.3300C>A, p.Tyr1100Ter (NM_015711.3); short protein forms Y1100*.
Identifiers: ClinVar variation 2691554 (VCV002691554.1), dbSNP rs1973387849, ClinGen allele CA406622517.

ClinVar aggregate classification (germline): Pathogenic (1 of 4 stars; one submission).

Conditions:
Coffin-Siris syndrome 12. Identifiers: MedGen C5444111, MONDO:0025699, OMIM 619325.

Submission:

Women's Health and Genetics/Laboratory Corporation of America, LabCorp
Classification: Pathogenic for Coffin-Siris syndrome 12. Last evaluated: 2023-12-08. Review status: criteria provided, single submitter. Criteria: LabCorp Variant Classification Summary - May 2015. Collection method: clinical testing. Allele origin: germline.
Comment: Variant summary: BICRA c.3300C>A (p.Tyr1100X) results in a premature termination codon, predicted to cause a truncation of the encoded protein or absence of the protein due to nonsense mediated decay, which are commonly known mechanisms for disease. The variant was absent in 1435098 control chromosomes (gnomAD v4). To our knowledge, no occurrence of c.3300C>A in individuals affected with Coffin-Siris Syndrome 12 and no experimental evidence demonstrating its impact on protein function have been reported. No submitters have reported clinical-significance assessments for this variant to ClinVar after 2014. Based on the evidence outlined above, the variant was classified as pathogenic.